The following is an entry in ClinVar:

NM_000742.4(CHRNA2):c.1057C>A (p.His353Asn)

Gene: CHRNA2 (cholinergic receptor nicotinic alpha 2 subunit; minus strand). Cytogenetic location: 8p21.2.
Variant type: single nucleotide variant.
Coding change: c.1057C>A on transcript NM_000742.4 (MANE Select); coding-DNA position 1057, C replaced by A.
Protein change: p.His353Asn; replaces histidine 353 with asparagine.
Molecular consequence: missense variant.
Genome position (GRCh38, 1-based): chr8:27,463,386, G>T on the plus strand (C>A on the coding strand, the complement: CHRNA2 is on the minus strand). VCF-style: chr8-27463386-G-T. GRCh37 (hg19) VCF-style: chr8-27320903-G-T.
Other names: c.580C>A, p.His194Asn (NM_001347705.2, NM_001347706.2); c.463C>A, p.His155Asn (NM_001347707.2, NM_001347708.2); c.1012C>A, p.His338Asn (NM_001282455.2); short protein forms H155N, H194N, H338N, H353N.
Identifiers: ClinVar variation 4527457 (VCV004527457.1).

ClinVar aggregate classification (germline): Uncertain significance (1 of 4 stars; one submission).

Submission:

GeneDx
Classification: Uncertain significance. Last evaluated: 2025-04-21. Review status: criteria provided, single submitter. Criteria: GeneDx Variant Classification Process June 2021. Collection method: clinical testing. Allele origin: germline. Affected: yes.
Comment: Not observed at significant frequency in large population cohorts (gnomAD); In silico analysis supports that this missense variant has a deleterious effect on protein structure/function; Has not been previously published as pathogenic or benign to our knowledge